The following is an entry in ClinVar:

NM_152743.4(BRAT1):c.993G>A (p.Thr331=)

Gene: BRAT1 (BRCA1 associated ATM activator 1; minus strand). Cytogenetic location: 7p22.3.
Variant type: single nucleotide variant.
Coding change: c.993G>A on transcript NM_152743.4 (MANE Select); coding-DNA position 993, G replaced by A.
Protein change: p.Thr331=; no amino-acid change (threonine 331 retained).
Molecular consequence: synonymous variant. On other transcripts: non-coding transcript variant (1).
Genome position (GRCh38, 1-based): chr7:2,542,142, C>T on the plus strand (G>A on the coding strand, the complement: BRAT1 is on the minus strand). VCF-style: chr7-2542142-C-T. GRCh37 (hg19) VCF-style: chr7-2581776-C-T.
Other names: p.Thr331=; c.993G>A, p.Thr331= (NM_001350626.2); c.468G>A, p.Thr156= (NM_001350627.2).
Identifiers: ClinVar variation 472985 (VCV000472985.23), dbSNP rs76646873, ClinGen allele CA4127980.

ClinVar aggregate classification (germline): Benign/Likely benign. Review status: criteria provided, multiple submitters, no conflicts (2 of 4 stars). 8 submissions from 8 submitters: Benign (6); Likely benign (2). Last evaluated 2026-01-31.

Conditions:
Neonatal-onset encephalopathy with rigidity and seizures. Also called: Lethal neonatal spasticity-epileptic encephalopathy syndrome. Identifiers: Orphanet 435845, MedGen C3281029, MONDO:0013784, OMIM 614498.
Neurodevelopmental disorder with cerebellar atrophy and with or without seizures. Identifiers: MedGen C4748032, MONDO:0020841, OMIM 618056.

Allele frequency attached by ClinVar (database versions not stated): gnomAD exomes 0.00246; ESP Exome Variant Server 0.00434; 1000 Genomes Project 0.00539; ExAC 0.00545; 1000 Genomes Project 30x 0.00578; TOPMed 0.00587; gnomAD 0.00607 and 0.00653.
gnomAD v4.1: 3,889 of 1,565,760 alleles (0.25%); highest among the groups gnomAD compares: African/African-American, 1.5%; 13 homozygotes.

Submissions (8):

Labcorp Genetics (formerly Invitae), Labcorp
Classification: Benign for Neonatal-onset encephalopathy with rigidity and seizures. Last evaluated: 2026-01-31. Review status: criteria provided, single submitter. Criteria: Invitae Variant Classification Sherloc (09022015). Collection method: clinical testing. Allele origin: germline.

ARUP Laboratories, Molecular Genetics and Genomics, ARUP Laboratories
Classification: Benign. Last evaluated: 2025-04-30. Review status: criteria provided, single submitter. Criteria: ARUP Molecular Germline Variant Investigation Process 2024. Collection method: clinical testing. Allele origin: germline.

Blueprint Genetics
Classification: Likely benign. Last evaluated: 2024-11-25. Review status: criteria provided, single submitter. Criteria: ACMG Guidelines, 2015. Collection method: clinical testing. Allele origin: germline.

Athena Diagnostics
Classification: Benign. Last evaluated: 2024-02-06. Review status: criteria provided, single submitter. Criteria: Athena Diagnostics Criteria. Collection method: clinical testing. Allele origin: unknown.

Mayo Clinic Laboratories, Mayo Clinic
Classification: Benign. Last evaluated: 2022-07-21. Review status: criteria provided, single submitter. Criteria: ACMG Guidelines, 2015. Collection method: clinical testing. Allele origin: germline. Observed: 2 variant alleles.
Comment: BS1, BS2, BP4, BP7

Fulgent Genetics
Classification: Likely benign for Neonatal-onset encephalopathy with rigidity and seizures; Neurodevelopmental disorder with cerebellar atrophy and with or without seizures. Last evaluated: 2021-10-13. Review status: criteria provided, single submitter. Criteria: ACMG Guidelines, 2015. Collection method: clinical testing. Allele origin: unknown.

GeneDx
Classification: Benign. Last evaluated: 2018-08-14. Review status: criteria provided, single submitter. Criteria: GeneDx Variant Classification Process June 2021. Collection method: clinical testing. Allele origin: germline. Affected: yes.

Genetic Services Laboratory, University of Chicago
Classification: Benign. Last evaluated: 2017-11-20. Review status: criteria provided, single submitter. Criteria: ACMG Guidelines, 2015. Collection method: clinical testing. Allele origin: germline. Affected: no.